The following is an entry in ClinVar:

ClinVar aggregate classification (germline): Uncertain significance (1 of 4 stars; one submission).

Conditions:
Capillary malformation-arteriovenous malformation syndrome. Also called: Capillary malformation-arteriovenous malformation. Identifiers: Orphanet 137667, MedGen C1842180, MONDO:0012016.

Submission:

Labcorp Genetics (formerly Invitae), Labcorp
Classification: Uncertain significance for Capillary malformation-arteriovenous malformation syndrome. Last evaluated: 2025-10-03. Review status: criteria provided, single submitter. Criteria: Invitae Variant Classification Sherloc (09022015). Collection method: clinical testing. Allele origin: germline.
Comment: This sequence change replaces isoleucine, which is neutral and non-polar, with valine, which is neutral and non-polar, at codon 931 of the RASA1 protein (p.Ile931Val). This variant is not present in population databases (gnomAD no frequency). This variant has not been reported in the literature in individuals affected with RASA1-related conditions. An algorithm developed to predict the effect of missense changes on protein structure and function (PolyPhen-2) suggests that this variant is likely to be tolerated. In summary, the available evidence is currently insufficient to determine the role of this variant in disease. Therefore, it has been classified as a Variant of Uncertain Significance.

NM_002890.3(RASA1):c.2791A>G (p.Ile931Val)

Genes: CCNH (cyclin H; minus strand), RASA1 (RAS p21 protein activator 1; plus strand). Cytogenetic location: 5q14.3.
Variant type: single nucleotide variant.
Coding change: c.2791A>G on transcript NM_002890.3 (MANE Select); coding-DNA position 2791, A replaced by G.
Protein change: p.Ile931Val; replaces isoleucine 931 with valine.
Molecular consequence: missense variant. On other transcripts: intron variant (1).
Genome position (GRCh38, 1-based): chr5:87,385,333, A>G. VCF-style: chr5-87385333-A-G. GRCh37 (hg19) VCF-style: chr5-86681150-A-G.
Other names: c.2260A>G, p.Ile754Val (NM_022650.3); c.933+9711T>C (NM_001364075.2); short protein forms I754V, I931V.
Identifiers: ClinVar variation 4727789 (VCV004727789.1).
Genomic context (GRCh38, chr5:87,385,333, plus strand): 5'-TCATTAGCTGTGCCCAATTCTGTTACAGATTCTCCATCTCCTATTGCTGCAAGAACACTG[A>G]TATTAGTGGCTAAATCTGTGCAGAACTTAGCAAATCTTGTGGAATTTGGAGCTAAGGTAA-3'
Protein context (NP_002881.1, residues 921-941): SPSPIAARTL[Ile931Val]LVAKSVQNLA